The following is an entry in ClinVar:

NM_004614.5(TK2):c.*3786C>T

Gene: TK2 (thymidine kinase 2; minus strand). Cytogenetic location: 16q21.
Variant type: single nucleotide variant.
Coding change: c.*3786C>T on transcript NM_004614.5 (MANE Select); 3786 bases downstream of the stop codon, C replaced by T.
Molecular consequence: 3 prime UTR variant. On other transcripts: non-coding transcript variant (1).
Genome position (GRCh38, 1-based): chr16:66,508,182, G>A on the plus strand (C>T on the coding strand, the complement: TK2 is on the minus strand). VCF-style: chr16-66508182-G-A. GRCh37 (hg19) VCF-style: chr16-66542085-G-A.
Other names: c.*3786C>T (NM_001172643.1, NM_001172644.2, NM_001172645.2 and 2 more transcripts); c.*3881C>T (NM_001271935.1).
Identifiers: ClinVar variation 320117 (VCV000320117.6), dbSNP rs74451221, ClinGen allele CA10638181.

ClinVar aggregate classification (germline): Benign. Review status: criteria provided, multiple submitters, no conflicts (2 of 4 stars). 2 submissions from 2 submitters: Benign (2). Last evaluated 2018-01-12.

Conditions:
Mitochondrial DNA depletion syndrome, myopathic form (MTDPS2). Also called: MITOCHONDRIAL DNA DEPLETION SYNDROME 2 (MYOPATHIC TYPE); MITOCHONDRIAL DNA DEPLETION MYOPATHY, TK2-RELATED; TK2-Related Mitochondrial DNA Maintenance Defect, Myopathic Form. Identifiers: Orphanet 254875, MedGen C3149750, MONDO:0012301, OMIM 609560.

Allele frequency attached by ClinVar (database versions not stated): gnomAD 0.04842 and 0.05396; TOPMed 0.05325; 1000 Genomes Project 30x 0.09588; 1000 Genomes Project 0.10124.

Submissions (2):

Illumina Laboratory Services, Illumina
Classification: Benign for Mitochondrial DNA depletion syndrome, myopathic form. Last evaluated: 2018-01-12. Review status: criteria provided, single submitter. Criteria: ICSL Variant Classification Criteria 13 December 2019. Collection method: clinical testing. Allele origin: germline.
Comment: This variant was observed in the ICSL laboratory as part of a predisposition screen in an ostensibly healthy population. It had not been previously curated by ICSL or reported in the Human Gene Mutation Database (HGMD: prior to June 1st, 2018), and was therefore a candidate for classification through an automated scoring system. Utilizing variant allele frequency, disease prevalence and penetrance estimates, and inheritance mode, an automated score was calculated to assess if this variant is too frequent to cause the disease. Based on the score and internal cut-off values, a variant classified as benign is not then subjected to further curation. The score for this variant resulted in a classification of benign for this disease.

Breakthrough Genomics
Classification: Benign. Review status: criteria provided, single submitter. Criteria: ACMG Guidelines, 2015. Collection method: not provided. Allele origin: germline. Inheritance: Autosomal recessive inheritance. Affected: yes.